The following is an entry in ClinVar:

ClinVar aggregate classification (germline): Uncertain significance. Review status: criteria provided, multiple submitters, no conflicts (2 of 4 stars). 14 submissions from 13 submitters: Uncertain significance (11). 3 of the submissions do not count toward it. Last evaluated 2025-06-26.

Conditions:
MYBPC3-related disorder. Also called: MYBPC3-related disorders; MYBPC3-related condition; MYBPC3-related disease.
Cardiovascular phenotype. Identifiers: MedGen CN230736.
Hypertrophic cardiomyopathy 4. Also called: Familial hypertrophic cardiomyopathy 4. Identifiers: MedGen C1861862, MONDO:0007268, OMIM 115197.
Left ventricular noncompaction 10 (LVNC10). Identifiers: Orphanet 154, Orphanet 54260, MedGen C3715165, MONDO:0014163, OMIM 615396.
Cardiomyopathy (CMYO). Also called: Cardiomyopathies. Identifiers: Orphanet 167848, MedGen C0878544, MONDO:0004994, HP:0001638. Inheritance: Various modes of inheritance.
Prolonged QT interval. Identifiers: MedGen C0151878, HP:0001657.
Hypertrophic cardiomyopathy. Also called: HYPERTROPHIC MYOCARDIOPATHY. Identifiers: Orphanet 217569, MedGen C0007194, MeSH D002312, MONDO:0005045, HP:0001639.

Allele frequency attached by ClinVar (database versions not stated): ExAC 0.00001; gnomAD exomes 0.00002; TOPMed 0.00002; gnomAD 0.00003 and 0.00004.
gnomAD v4.1: 89 of 1,612,436 alleles (0.0055%); highest among the groups gnomAD compares: Non-Finnish European, 0.0073%; no homozygotes.

Submissions (14):

PreventionGenetics, part of Exact Sciences
Classification: Uncertain significance for MYBPC3-related condition. Last evaluated: 2025-06-26. Review status: criteria provided, single submitter. Criteria: ACMG Guidelines, 2015. Collection method: clinical testing. Allele origin: germline.
Comment: The MYBPC3 c.2783C>T variant is predicted to result in the amino acid substitution p.Ser928Leu. This variant has been reported in individuals with hypertrophic cardiomyopathy and dilated cardiomyopathy (Brito et al. 2012. PubMed ID: 22857948; Berge et al. 2014. PubMed ID: 24111713; Dorsch et al. 2019. PubMed ID: 31323898; Nijenkamp et al. 2020. PubMed ID: 32369506; Supplementary File 2, van Lint et al. 2019. PubMed ID: 30847666; Robyns et al. 2017. PubMed ID: 29255176). It has also been reported in individuals with congenital myopathy and long QT syndrome (Savarese et al. 2014. PubMed ID: 25214167; Robyns et al. 2017. PubMed ID: 29255176), but has been reported in the presence of another variant that could be the basis for disease (Brito et al. 2012. PubMed ID: 22857948; Berge et al. 2014. PubMed ID: 24111713; Dorsch et al. 2019. PubMed ID: 31323898). This variant is reported in 0.0058% of alleles in individuals of Latino descent in gnomAD and is interpreted as uncertain in ClinVar. At this time, the clinical significance of this variant is uncertain due to the absence of conclusive functional and genetic evidence.

Color Diagnostics, LLC DBA Color Health
Classification: Uncertain significance for Cardiomyopathy. Last evaluated: 2025-06-02. Review status: criteria provided, single submitter. Criteria: ACMG Guidelines, 2015. Collection method: clinical testing. Allele origin: germline.
Comment: This missense variant replaces serine with leucine at codon 928 of the MYBPC3 protein. Computational prediction suggests that this variant may not impact protein structure and function. To our knowledge, functional studies have not been reported for this variant. This variant has been reported in individuals affected with hypertrophic cardiomyopathy (PMID: 24111713, 22857948, 31323898, 33495597, 33782553). One of these individuals also carried a pathogenic variant in the MYH7 gene (PMID: 22857948). This variant has been identified in 6/247572 chromosomes in the general population by the Genome Aggregation Database (gnomAD). The available evidence is insufficient to determine the role of this variant in disease conclusively. Therefore, this variant is classified as a Variant of Uncertain Significance.

Ambry Genetics
Classification: Uncertain significance for Cardiovascular phenotype. Last evaluated: 2025-05-30. Review status: criteria provided, single submitter. Criteria: Ambry Variant Classification Scheme 2023. Collection method: clinical testing. Allele origin: germline.
Comment: The p.S928L variant (also known as c.2783C>T), located in coding exon 27 of the MYBPC3 gene, results from a C to T substitution at nucleotide position 2783. The serine at codon 928 is replaced by leucine, an amino acid with dissimilar properties. This variant has been detected in hypertrophic cardiomyopathy (HCM) cohorts and individuals with HCM; however, it co-occurred with pathogenic mutations in cardiomyopathy-related genes in at least two cases, and cohort reports may overlap (Brito D et al. Rev Port Cardiol, 2005 Sep;24:1137-46; Brito D et al. Rev Port Cardiol, 2012 Sep;31:577-87; Berge KE et al. Clin. Genet., 2014 Oct;86:355-60; Nijenkamp LLAM et al. Circ Heart Fail. 2018 06;11(6):e004133; Helms AS et al. Circ Genom Precis Med. 2020 Oct;13(5):396-405; Harper AR et al. Nat Genet. 2021 Feb;53(2):135-142). This variant has also been detected in an individual reported to have long QT syndrome, and in an individual who underwent genetic testing for dilated cardiomyopathy; however, clinical details were limited (Robyns T et al. Eur. J. Hum. Genet. 2017 12;25(12):1313-1323; van Lint FHM et al. Neth Heart J, 2019 Jun;27:304-309). This amino acid position is well conserved in available vertebrate species. In addition, the in silico prediction for this alteration is inconclusive. Based on the available evidence, the clinical significance of this variant remains unclear.

Labcorp Genetics (formerly Invitae), Labcorp
Classification: Uncertain significance for Hypertrophic cardiomyopathy. Last evaluated: 2025-01-29. Review status: criteria provided, single submitter. Criteria: Invitae Variant Classification Sherloc (09022015). Collection method: clinical testing. Allele origin: germline.
Comment: This sequence change replaces serine, which is neutral and polar, with leucine, which is neutral and non-polar, at codon 928 of the MYBPC3 protein (p.Ser928Leu). The frequency data for this variant in the population databases is considered unreliable, as metrics indicate poor data quality at this position in the gnomAD database. This missense change has been observed in individuals with hypertrophic cardiomyopathy (PMID: 16335287, 22857948, 24111713, 31323898, 33782553; internal data). ClinVar contains an entry for this variant (Variation ID: 427958). An algorithm developed to predict the effect of missense changes on protein structure and function (PolyPhen-2) suggests that this variant is likely to be disruptive. In summary, the available evidence is currently insufficient to determine the role of this variant in disease. Therefore, it has been classified as a Variant of Uncertain Significance.

GeneDx
Classification: Uncertain significance. Last evaluated: 2024-04-16. Review status: criteria provided, single submitter. Criteria: GeneDx Variant Classification Process June 2021. Collection method: clinical testing. Allele origin: germline. Affected: yes.
Comment: In silico analysis supports that this missense variant has a deleterious effect on protein structure/function; This variant is associated with the following publications: (PMID: 24111713, 22857948, 25214167, 33782553, 29853478, 31323898, 32369506, 16335287, 30847666, 35653365)

All of Us Research Program, National Institutes of Health
Classification: Uncertain significance for Hypertrophic cardiomyopathy. Last evaluated: 2023-11-30. Review status: criteria provided, single submitter. Criteria: ACMG Guidelines, 2015. Collection method: clinical testing. Allele origin: germline. Inheritance: Autosomal dominant inheritance. Observed: 6 variant alleles, 6 heterozygotes.
Comment: This missense variant replaces serine with leucine at codon 928 of the MYBPC3 protein. Computational prediction suggests that this variant may not impact protein structure and function (internally defined REVEL score threshold <= 0.5, PMID: 27666373). To our knowledge, functional studies have not been reported for this variant. This variant has been reported in individuals affected with hypertrophic cardiomyopathy (PMID: 24111713, 22857948, 31323898). One of these individuals also carried a pathogenic variant in the MYH7 gene that could explain the observed phenotype (PMID: 22857948). This variant has been identified in 6/247572 chromosomes in the general population by the Genome Aggregation Database (gnomAD). The available evidence is insufficient to determine the role of this variant in disease conclusively. Therefore, this variant is classified as a Variant of Uncertain Significance.

This study involves interpretation of variants in research participants for the purpose of population health screening. Participant phenotype was not available at the time of variant classification. Additional details can be found in publication PMID: 35346344, PMCID: PMC8962531

Fulgent Genetics
Classification: Uncertain significance for Hypertrophic cardiomyopathy 4; Left ventricular noncompaction 10. Last evaluated: 2021-10-11. Review status: criteria provided, single submitter. Criteria: ACMG Guidelines, 2015. Collection method: clinical testing. Allele origin: unknown.

Women's Health and Genetics/Laboratory Corporation of America, LabCorp
Classification: Uncertain significance. Last evaluated: 2019-02-12. Review status: criteria provided, single submitter. Criteria: LabCorp Variant Classification Summary - May 2015. Collection method: clinical testing. Allele origin: germline.
Comment: Variant summary: MYBPC3 c.2783C>T (p.Ser928Leu) results in a non-conservative amino acid change located in the Fibronectin type III domain of the encoded protein sequence. Three of five in-silico tools predict a benign effect of the variant on protein function. The variant allele was found at a frequency of 2.5e-05 in 244814 control chromosomes (gnomAD). The available data on variant occurrences in the general population are insufficient to allow any conclusion about variant significance. c.2783C>T has been reported in the literature in affected individuals (Berge_2014, Brito_2012, Brito_2005). These reports do not provide unequivocal conclusions about association of the variant with Cardiomyopathy. Co-occurrences with other pathogenic variants have been reported (MYBPC3 c.2373dupG, p.W792VfsX41; MYH7 c.788T>C, p.Ile263Thr) (Berge_2014, Brito_2012). To our knowledge, no experimental evidence demonstrating an impact on protein function has been reported. Two ClinVar submissions from clinical diagnostic laboratories (evaluation after 2014) cite the variant as uncertain significance. Based on the evidence outlined above, the variant was classified as VUS-possibly benign.

Center for Human Genetics, University of Leuven
Classification: Uncertain significance for Prolonged QT interval. Last evaluated: 2017-04-30. Review status: criteria provided, single submitter. Criteria: ACMG Guidelines, 2015. Collection method: clinical testing. Allele origin: germline. Inheritance: Autosomal dominant inheritance. Affected: yes.

Illumina Laboratory Services, Illumina
Classification: Uncertain significance for Left ventricular noncompaction 10. Last evaluated: 2017-04-28. Review status: criteria provided, single submitter. Criteria: ICSL Variant Classification Criteria 13 December 2019. Collection method: clinical testing. Allele origin: germline.

Illumina Laboratory Services, Illumina
Classification: Uncertain significance for Hypertrophic cardiomyopathy 4. Last evaluated: 2017-04-28. Review status: criteria provided, single submitter. Criteria: ICSL Variant Classification Criteria 13 December 2019. Collection method: clinical testing. Allele origin: germline.
Comment: This variant was observed as part of a predisposition screen in an ostensibly healthy population. A literature search was performed for the gene, cDNA change, and amino acid change (where applicable). Publications were found based on this search. However, the evidence from the literature, in combination with allele frequency data from public databases where available, was not sufficient to rule this variant in or out of causing disease. Therefore, this variant is classified as a variant of unknown significance.

Clinical Genetics, Academic Medical Center
Classification: Uncertain significance. Review status: no assertion criteria provided. Collection method: clinical testing. Allele origin: germline. Affected: yes. Study: VKGL Data-share Consensus. Not counted in ClinVar's aggregate classification.

Genome Diagnostics Laboratory, University Medical Center Utrecht
Classification: Uncertain significance. Review status: no assertion criteria provided. Collection method: clinical testing. Allele origin: germline. Affected: yes. Study: VKGL Data-share Consensus. Not counted in ClinVar's aggregate classification.

Joint Genome Diagnostic Labs from Nijmegen and Maastricht, Radboudumc and MUMC+
Classification: Uncertain significance. Review status: no assertion criteria provided. Collection method: clinical testing. Allele origin: germline. Affected: yes. Study: VKGL Data-share Consensus. Not counted in ClinVar's aggregate classification.

Literature cited by the submitters: PubMed 22857948 (cited by 6 submitters); PubMed 24111713 (cited by 6 submitters); PubMed 31323898 (cited by 4 submitters); PubMed 33495597 (cited by Color Diagnostics, LLC DBA Color Health and Ambry Genetics); PubMed 33782553 (cited by 3 submitters); PubMed 16335287 (cited by 4 submitters); PubMed 29255176 (cited by Ambry Genetics); PubMed 29853478 (cited by Ambry Genetics); PubMed 30847666 (cited by Ambry Genetics); PubMed 32841044 (cited by Ambry Genetics).

NM_000256.3(MYBPC3):c.2783C>T (p.Ser928Leu)

Gene: MYBPC3 (myosin binding protein C3; minus strand). Cytogenetic location: 11p11.2.
Variant type: single nucleotide variant.
Coding change: c.2783C>T on transcript NM_000256.3 (MANE Select); coding-DNA position 2783, C replaced by T.
Protein change: p.Ser928Leu; replaces serine 928 with leucine.
Molecular consequence: missense variant.
Genome position (GRCh38, 1-based): chr11:47,335,164, G>A on the plus strand (C>T on the coding strand, the complement: MYBPC3 is on the minus strand). VCF-style: chr11-47335164-G-A. GRCh37 (hg19) VCF-style: chr11-47356715-G-A.
Other names: c.2783C>T, p.Ser928Leu (LRG_386t1); short protein forms S928L.
Identifiers: ClinVar variation 427958 (VCV000427958.32), dbSNP rs773819168, ClinGen allele CA078956.
Genomic context (GRCh38, chr11:47,335,164, plus strand): 5'-TTGTGTGCCCGCACTCGGAAAAGCAGCCGGGCCCCCGTGGGCAGGTCCTTCACCAGTATC[G>A]ATGTGTGCTCTGTCAGCCCCTGCAGGGCAGCCACCCACTCTGAGCCTGGGGGTGGGGAGG-3'
Protein context (NP_000247.2, residues 918-938): AALQGLTEHT[Ser928Leu]ILVKDLPTGA